The following is an entry in ClinVar:

ClinVar aggregate classification (germline): Uncertain significance (1 of 4 stars; one submission).

Conditions:
Menkes kinky-hair syndrome (MNK). Also called: Copper transport disease; Menkes Disease; Classic Menkes Disease. Identifiers: Orphanet 565, MedGen C0022716, MONDO:0010651, OMIM 309400.
Cutis laxa, X-linked (OHS). Also called: EDS IX; Occipital horn syndrome. Identifiers: Orphanet 198, MedGen C0268353, MONDO:0010572, OMIM 304150.
X-linked distal spinal muscular atrophy type 3. Also called: ATP7A-Related Distal Motor Neuropathy; SPINAL MUSCULAR ATROPHY, DISTAL, X-LINKED RECESSIVE; NEURONOPATHY, DISTAL HEREDITARY MOTOR, X-LINKED; NEUROPATHY, DISTAL HEREDITARY MOTOR, X-LINKED. Identifiers: Orphanet 139557, MedGen C1845359, MONDO:0010338, OMIM 300489.

Submission:

Labcorp Genetics (formerly Invitae), Labcorp
Classification: Uncertain significance for X-linked distal spinal muscular atrophy type 3; Cutis laxa, X-linked; Menkes kinky-hair syndrome. Last evaluated: 2024-01-22. Review status: criteria provided, single submitter. Criteria: Invitae Variant Classification Sherloc (09022015). Collection method: clinical testing. Allele origin: germline.
Comment: This sequence change replaces serine, which is neutral and polar, with asparagine, which is neutral and polar, at codon 1430 of the ATP7A protein (p.Ser1430Asn). This variant is not present in population databases (gnomAD no frequency). This variant has not been reported in the literature in individuals affected with ATP7A-related conditions. Advanced modeling of protein sequence and biophysical properties (such as structural, functional, and spatial information, amino acid conservation, physicochemical variation, residue mobility, and thermodynamic stability) performed at Invitae indicates that this missense variant is not expected to disrupt ATP7A protein function with a negative predictive value of 95%. In summary, the available evidence is currently insufficient to determine the role of this variant in disease. Therefore, it has been classified as a Variant of Uncertain Significance.

NM_000052.7(ATP7A):c.4289G>A (p.Ser1430Asn)

Gene: ATP7A (ATPase copper transporting alpha; plus strand). Cytogenetic location: Xq21.1.
Variant type: single nucleotide variant.
Coding change: c.4289G>A on transcript NM_000052.7 (MANE Select); coding-DNA position 4289, G replaced by A.
Protein change: p.Ser1430Asn; replaces serine 1430 with asparagine.
Molecular consequence: missense variant. On other transcripts: non-coding transcript variant (1).
Genome position (GRCh38, 1-based): chrX:78,046,356, G>A. VCF-style: chrX-78046356-G-A. GRCh37 (hg19) VCF-style: chrX-77301853-G-A.
Other names: c.4055G>A, p.Ser1352Asn (NM_001282224.2); short protein forms S1352N, S1430N.
Identifiers: ClinVar variation 2922381 (VCV002922381.3), dbSNP rs2522427475, ClinGen allele CA413606097.